The following is an entry in ClinVar:

NM_006445.4(PRPF8):c.3566T>C (p.Met1189Thr)

Gene: PRPF8 (pre-mRNA processing factor 8; minus strand). Cytogenetic location: 17p13.3.
Variant type: single nucleotide variant.
Coding change: c.3566T>C on transcript NM_006445.4 (MANE Select); coding-DNA position 3566, T replaced by C.
Protein change: p.Met1189Thr; replaces methionine 1189 with threonine.
Molecular consequence: missense variant.
Genome position (GRCh38, 1-based): chr17:1,673,448, A>G on the plus strand (T>C on the coding strand, the complement: PRPF8 is on the minus strand). VCF-style: chr17-1673448-A-G. GRCh37 (hg19) VCF-style: chr17-1576742-A-G.
Other names: short protein forms M1189T.
Identifiers: ClinVar variation 1942004 (VCV001942004.5), dbSNP rs914764414, ClinGen allele CA286804316.
Genomic context (GRCh38, chr17:1,673,448, plus strand): 5'-TGGGTGAACTCCTCATAGCTGGTGCGGCACTTAGGCAGGATGCGGCACTCGAAGCCACAC[A>G]TGTTGAACAGCAGGTTGGGGTTGTCCTTACTGTACACAGACACGAAGCTGTTCTCCCACT-3'
Protein context (NP_006436.3, residues 1179-1199): SKDNPNLLFN[Met1189Thr]CGFECRILPK

ClinVar aggregate classification (germline): Uncertain significance (1 of 4 stars; one submission).

Allele frequency attached by ClinVar (database versions not stated): gnomAD exomes below 0.00001; gnomAD 0.00001; TOPMed 0.00001.

Submission:

Labcorp Genetics (formerly Invitae), Labcorp
Classification: Uncertain significance. Last evaluated: 2024-04-05. Review status: criteria provided, single submitter. Criteria: Invitae Variant Classification Sherloc (09022015). Collection method: clinical testing. Allele origin: germline.
Comment: This sequence change replaces methionine, which is neutral and non-polar, with threonine, which is neutral and polar, at codon 1189 of the PRPF8 protein (p.Met1189Thr). This variant is present in population databases (no rsID available, gnomAD 0.003%). This variant has not been reported in the literature in individuals affected with PRPF8-related conditions. ClinVar contains an entry for this variant (Variation ID: 1942004). Advanced modeling of protein sequence and biophysical properties (such as structural, functional, and spatial information, amino acid conservation, physicochemical variation, residue mobility, and thermodynamic stability) performed at Invitae indicates that this missense variant is expected to disrupt PRPF8 protein function with a positive predictive value of 80%. In summary, the available evidence is currently insufficient to determine the role of this variant in disease. Therefore, it has been classified as a Variant of Uncertain Significance.